The following is an entry in ClinVar:

ClinVar aggregate classification (germline): Uncertain significance (1 of 4 stars; one submission).

Conditions:
Aortic valve disease 3. Identifiers: MedGen C5193127, MONDO:0032783, OMIM 618496.

Allele frequency attached by ClinVar (database versions not stated): TOPMed 0.00003; gnomAD 0.00004; ExAC 0.00025; 1000 Genomes Project 0.00040; 1000 Genomes Project 30x 0.00047.
gnomAD v4.1: 122 of 1,614,128 alleles (0.0076%); highest among the groups gnomAD compares: South Asian, 0.1%; 2 homozygotes.

Submission:

Neuberg Centre For Genomic Medicine, NCGM
Classification: Uncertain significance for Aortic valve disease 3. Review status: criteria provided, single submitter. Criteria: ACMG Guidelines, 2015. Collection method: clinical testing. Allele origin: germline. Inheritance: Autosomal dominant inheritance. Affected: yes.
Comment: The amino acid Gly at position 920 is changed to a Ser changing protein sequence and it might alter its composition and physico-chemical properties. This variant has not been reported previously in affected individuals. In silico tools predict the variant to be tolerated. The residue is conserved across species. The amino acid change p.Gly920Ser in ROBO4 is predicted as conserved by GERP++ and PhyloP across 100 vertebrates The variant is present in 0.01% individuals in the gnomAD database including one homozygous allele.. This variant is classified as uncertain significance as per ACMG guidelines.

NM_019055.6(ROBO4):c.2758G>A (p.Gly920Ser)

Gene: ROBO4 (roundabout guidance receptor 4; minus strand). Cytogenetic location: 11q24.2.
Variant type: single nucleotide variant.
Coding change: c.2758G>A on transcript NM_019055.6 (MANE Select); coding-DNA position 2758, G replaced by A.
Protein change: p.Gly920Ser; replaces glycine 920 with serine.
Molecular consequence: missense variant.
Genome position (GRCh38, 1-based): chr11:124,886,500, C>T on the plus strand (G>A on the coding strand, the complement: ROBO4 is on the minus strand). VCF-style: chr11-124886500-C-T. GRCh37 (hg19) VCF-style: chr11-124756396-C-T.
Other names: c.2323G>A, p.Gly775Ser (NM_001301088.2); short protein forms G775S, G920S.
Identifiers: ClinVar variation 2585562 (VCV002585562.1), dbSNP rs529793135, ClinGen allele CA6344521.